The following is an entry in ClinVar:

ClinVar aggregate classification (germline): Uncertain significance (1 of 4 stars; one submission).

gnomAD v4.1: 2 of 1,614,072 alleles (0.00012%); highest among the groups gnomAD compares: African/African-American, 0.0027%; no homozygotes.

Submission:

Labcorp Genetics (formerly Invitae), Labcorp
Classification: Uncertain significance. Last evaluated: 2024-05-01. Review status: criteria provided, single submitter. Criteria: Invitae Variant Classification Sherloc (09022015). Collection method: clinical testing. Allele origin: germline.
Comment: This sequence change replaces lysine, which is basic and polar, with asparagine, which is neutral and polar, at codon 1041 of the DSG1 protein (p.Lys1041Asn). This variant is present in population databases (rs367940291, gnomAD 0.007%). This variant has not been reported in the literature in individuals affected with DSG1-related conditions. An algorithm developed to predict the effect of missense changes on protein structure and function (PolyPhen-2) suggests that this variant is likely to be disruptive. In summary, the available evidence is currently insufficient to determine the role of this variant in disease. Therefore, it has been classified as a Variant of Uncertain Significance.

NM_001942.4(DSG1):c.3123G>C (p.Lys1041Asn)

Genes: DSG1 (desmoglein 1; plus strand), DSG1-AS1 (DSG1 antisense RNA 1; minus strand). Cytogenetic location: 18q12.1.
Variant type: single nucleotide variant.
Coding change: c.3123G>C on transcript NM_001942.4 (MANE Select); coding-DNA position 3123, G replaced by C.
Protein change: p.Lys1041Asn; replaces lysine 1041 with asparagine.
Molecular consequence: missense variant.
Genome position (GRCh38, 1-based): chr18:31,355,319, G>C. VCF-style: chr18-31355319-G-C. GRCh37 (hg19) VCF-style: chr18-28935282-G-C.
Other names: short protein forms K1041N.
Identifiers: ClinVar variation 3613843 (VCV003613843.2).